The following is an entry in ClinVar:

NM_001292063.2(OTOG):c.6713G>A (p.Gly2238Asp)

Gene: OTOG (otogelin; plus strand). Cytogenetic location: 11p15.1.
Variant type: single nucleotide variant.
Coding change: c.6713G>A on transcript NM_001292063.2 (MANE Select); coding-DNA position 6713, G replaced by A.
Protein change: p.Gly2238Asp; replaces glycine 2238 with aspartic acid.
Molecular consequence: missense variant.
Genome position (GRCh38, 1-based): chr11:17,631,702, G>A. VCF-style: chr11-17631702-G-A. GRCh37 (hg19) VCF-style: chr11-17653249-G-A.
Other names: c.6749G>A, p.Gly2250Asp (NM_001277269.2); short protein forms G2238D, G2250D.
Identifiers: ClinVar variation 1203643 (VCV001203643.9), dbSNP rs528937385, ClinGen allele CA5906060.

ClinVar aggregate classification (germline): Uncertain significance. Review status: criteria provided, multiple submitters, no conflicts (2 of 4 stars). 3 submissions from 3 submitters: Uncertain significance (3). Last evaluated 2026-08-07.

Allele frequency attached by ClinVar (database versions not stated): gnomAD 0.00001 and 0.00002; gnomAD exomes 0.00002; TOPMed 0.00003; ExAC 0.00006; 1000 Genomes Project 30x 0.00016; 1000 Genomes Project 0.00020.
gnomAD v4.1: 31 of 1,549,322 alleles (0.002%); highest among the groups gnomAD compares: Non-Finnish European, 0.0027%; no homozygotes.

Submissions (3):

GeneDx
Classification: Uncertain significance. Last evaluated: 2026-08-07. Review status: criteria provided, single submitter. Criteria: GeneDx Variant Classification Process June 2021. Collection method: clinical testing. Allele origin: germline.
Comment: Not observed at significant frequency in large population cohorts (gnomAD); In silico analysis supports that this missense variant has a deleterious effect on protein structure/function; Has not been previously published as pathogenic or benign to our knowledge

Labcorp Genetics (formerly Invitae), Labcorp
Classification: Uncertain significance. Last evaluated: 2024-01-15. Review status: criteria provided, single submitter. Criteria: Invitae Variant Classification Sherloc (09022015). Collection method: clinical testing. Allele origin: germline.
Comment: This sequence change replaces glycine, which is neutral and non-polar, with aspartic acid, which is acidic and polar, at codon 2250 of the OTOG protein (p.Gly2250Asp). The frequency data for this variant in the population databases is considered unreliable, as metrics indicate poor data quality at this position in the gnomAD database. This variant has not been reported in the literature in individuals affected with OTOG-related conditions. ClinVar contains an entry for this variant (Variation ID: 1203643). An algorithm developed to predict the effect of missense changes on protein structure and function (PolyPhen-2) suggests that this variant is likely to be disruptive. In summary, the available evidence is currently insufficient to determine the role of this variant in disease. Therefore, it has been classified as a Variant of Uncertain Significance.

Blueprint Genetics
Classification: Uncertain significance. Last evaluated: 2023-02-24. Review status: criteria provided, single submitter. Criteria: ACMG Guidelines, 2015. Collection method: clinical testing. Allele origin: germline.